The following is an entry in ClinVar:

NM_015978.3(TNNI3K):c.1818T>A (p.Asp606Glu)

Genes: FPGT-TNNI3K (FPGT-TNNI3K readthrough; plus strand), TNNI3K (TNNI3 interacting kinase; plus strand). Cytogenetic location: 1p31.1.
Variant type: single nucleotide variant.
Coding change: c.1818T>A on transcript NM_015978.3 (MANE Select); coding-DNA position 1818, T replaced by A.
Protein change: p.Asp606Glu; replaces aspartic acid 606 with glutamic acid.
Molecular consequence: missense variant.
Genome position (GRCh38, 1-based): chr1:74,436,125, T>A. VCF-style: chr1-74436125-T-A. GRCh37 (hg19) VCF-style: chr1-74901809-T-A.
Other names: c.2121T>A, p.Asp707Glu (NM_001112808.3, NM_001199327.2); short protein forms D606E, D707E.
Identifiers: ClinVar variation 3372684 (VCV003372684.3).

ClinVar aggregate classification (germline): Uncertain significance. Review status: criteria provided, multiple submitters, no conflicts (2 of 4 stars). 2 submissions from 2 submitters: Uncertain significance (2). Last evaluated 2024-07-03.

gnomAD v4.1: 2 of 1,611,754 alleles (0.00012%); highest among the groups gnomAD compares: Non-Finnish European, 0.00017%; no homozygotes.

Submissions (2):

Labcorp Genetics (formerly Invitae), Labcorp
Classification: Uncertain significance. Last evaluated: 2024-07-03. Review status: criteria provided, single submitter. Criteria: Invitae Variant Classification Sherloc (09022015). Collection method: clinical testing. Allele origin: germline.
Comment: This sequence change replaces aspartic acid, which is acidic and polar, with glutamic acid, which is acidic and polar, at codon 606 of the TNNI3K protein (p.Asp606Glu). This variant is not present in population databases (gnomAD no frequency). This variant has not been reported in the literature in individuals affected with TNNI3K-related conditions. An algorithm developed to predict the effect of missense changes on protein structure and function (PolyPhen-2) suggests that this variant is likely to be disruptive. In summary, the available evidence is currently insufficient to determine the role of this variant in disease. Therefore, it has been classified as a Variant of Uncertain Significance.

GeneDx
Classification: Uncertain significance. Last evaluated: 2024-04-19. Review status: criteria provided, single submitter. Criteria: GeneDx Variant Classification Process June 2021. Collection method: clinical testing. Allele origin: germline. Affected: yes.
Comment: Not observed at significant frequency in large population cohorts (gnomAD); In silico analysis supports that this missense variant has a deleterious effect on protein structure/function; Has not been previously published as pathogenic or benign to our knowledge